The following is an entry in ClinVar:

NM_001999.4(FBN2):c.1610A>G (p.Asp537Gly)

Gene: FBN2 (fibrillin 2; minus strand). Cytogenetic location: 5q23.3.
Variant type: single nucleotide variant.
Coding change: c.1610A>G on transcript NM_001999.4 (MANE Select); coding-DNA position 1610, A replaced by G.
Protein change: p.Asp537Gly; replaces aspartic acid 537 with glycine.
Molecular consequence: missense variant.
Genome position (GRCh38, 1-based): chr5:128,378,884, T>C on the plus strand (A>G on the coding strand, the complement: FBN2 is on the minus strand). VCF-style: chr5-128378884-T-C. GRCh37 (hg19) VCF-style: chr5-127714577-T-C.
Other names: c.1610A>G (NM_001999.3); short protein forms D537G.
Identifiers: ClinVar variation 625129 (VCV000625129.5), dbSNP rs565227443, ClinGen allele CA127024438.
Genomic context (GRCh38, chr5:128,378,884, plus strand): 5'-TAATAGGAACCAGGTGTGTTAACACAATCTCCATTAGTGCAGGGATTTGATGTGCATTCA[T>C]CAACATCTGTGAGCAGCAAAAGAAACCATTATAGACTTCACTCCATTTGTAGAAATGTTT-3'
Protein context (NP_001990.2, residues 527-547): QDANGDCIDV[Asp537Gly]ECTSNPCTNG

ClinVar aggregate classification (germline): Conflicting classifications of pathogenicity. Review status: criteria provided, conflicting classifications (1 of 4 stars). 4 submissions from 4 submitters: Likely pathogenic (1); Uncertain significance (2); Likely benign (1). Last evaluated 2024-08-06.

Conditions:
Congenital contractural arachnodactyly (CCA). Also called: Beals-Hecht syndrome; Arthrogryposis, distal, type 9; BEALS SYNDROME. Identifiers: Orphanet 115, MedGen C0220668, MONDO:0007363, OMIM 121050.

Allele frequency attached by ClinVar (database versions not stated): gnomAD exomes below 0.00001; TOPMed below 0.00001; gnomAD 0.00001; 1000 Genomes Project 30x 0.00016; 1000 Genomes Project 0.00020.
gnomAD v4.1: 5 of 1,613,118 alleles (0.00031%); highest among the groups gnomAD compares: East Asian, 0.0045%; no homozygotes.

Submissions (4):

Labcorp Genetics (formerly Invitae), Labcorp
Classification: Likely benign for Congenital contractural arachnodactyly. Last evaluated: 2024-08-06. Review status: criteria provided, single submitter. Criteria: Invitae Variant Classification Sherloc (09022015). Collection method: clinical testing. Allele origin: germline.

GeneDx
Classification: Uncertain significance. Last evaluated: 2023-12-14. Review status: criteria provided, single submitter. Criteria: GeneDx Variant Classification Process June 2021. Collection method: clinical testing. Allele origin: germline. Affected: yes.
Comment: Identified in a patient with features of a connective tissue disorder who also harbored another variant in the COL3A1 gene (PMID: 30675029); the p.(D537G) variant was present in three family members who also had connective tissue disorder features; Not observed at significant frequency in large population cohorts (gnomAD); Although located in a calcium-binding EGF-like domain of the FBN2 gene, it does not substitute or introduce a cysteine residue (PMID: 19006240, 18767143); In silico analysis supports that this missense variant has a deleterious effect on protein structure/function; This variant is associated with the following publications: (PMID: 19006240, 18767143, 30675029)

Blueprint Genetics
Classification: Uncertain significance. Last evaluated: 2020-10-26. Review status: criteria provided, single submitter. Criteria: ACMG Guidelines, 2015. Collection method: clinical testing. Allele origin: germline.

Institute of Human Genetics, University Medical Center Hamburg-Eppendorf
Classification: Likely pathogenic for Congenital contractural arachnodactyly. Last evaluated: 2018-11-20. Review status: criteria provided, single submitter. Criteria: ACMG Guidelines, 2015. Collection method: research. Allele origin: paternal. Inheritance: Autosomal dominant inheritance. Affected: yes. Observed: 1 variant allele. Segregation with disease observed.
Comment: Co-segregation with disease in 4 affected family members.

Literature cited by the submitters: PubMed 30675029 (cited by Institute of Human Genetics, University Medical Center Hamburg-Eppendorf).